The following is an entry in ClinVar:

NM_004208.4(AIFM1):c.506C>T (p.Pro169Leu)

Genes: AIFM1 (apoptosis inducing factor mitochondria associated 1; minus strand), RAB33A (RAB33A, member RAS oncogene family; plus strand). Cytogenetic location: Xq26.1.
Variant type: single nucleotide variant.
Coding change: c.506C>T on transcript NM_004208.4 (MANE Select); coding-DNA position 506, C replaced by T.
Protein change: p.Pro169Leu; replaces proline 169 with leucine.
Molecular consequence: missense variant. On other transcripts: non-coding transcript variant (1).
Genome position (GRCh38, 1-based): chrX:130,147,592, G>A on the plus strand (C>T on the coding strand, the complement: AIFM1 is on the minus strand). VCF-style: chrX-130147592-G-A. GRCh37 (hg19) VCF-style: chrX-129281567-G-A.
Other names: c.506C>T, p.Pro169Leu (NM_001130847.4); c.494C>T, p.Pro165Leu (NM_145812.3); short protein forms P165L, P169L.
Identifiers: ClinVar variation 982823 (VCV000982823.12), dbSNP rs2030801584, ClinGen allele CA414588410.

ClinVar aggregate classification (germline): Conflicting classifications of pathogenicity. Review status: criteria provided, conflicting classifications (1 of 4 stars). 5 submissions from 5 submitters: Likely pathogenic (3); Uncertain significance (2). Last evaluated 2023-07-03.

Conditions:
Charcot-Marie-Tooth Neuropathy X. Identifiers: MedGen CN118851.
Combined oxidative phosphorylation deficiency. Identifiers: MedGen C4540031, MONDO:0000732.
Severe X-linked mitochondrial encephalomyopathy. Also called: ENCEPHALOMYOPATHY, MITOCHONDRIAL, X-LINKED. Identifiers: Orphanet 238329, MedGen C3151753, MONDO:0010437, OMIM 300816.

Submissions (5):

GeneDx
Classification: Likely pathogenic. Last evaluated: 2023-07-03. Review status: criteria provided, single submitter. Criteria: GeneDx Variant Classification Process June 2021. Collection method: clinical testing. Allele origin: germline. Affected: yes.
Comment: In silico analysis supports that this missense variant has a deleterious effect on protein structure/function; Not observed at significant frequency in large population cohorts (gnomAD); This variant is associated with the following publications: (PMID: 34117073, 35131284)

Revvity Omics, Revvity
Classification: Uncertain significance. Last evaluated: 2022-06-06. Review status: criteria provided, single submitter. Criteria: ACMG Guidelines, 2015. Collection method: clinical testing. Allele origin: germline.

Labcorp Genetics (formerly Invitae), Labcorp
Classification: Uncertain significance for Charcot-Marie-Tooth Neuropathy X; Combined oxidative phosphorylation deficiency. Last evaluated: 2021-10-20. Review status: criteria provided, single submitter. Criteria: Invitae Variant Classification Sherloc (09022015). Collection method: clinical testing. Allele origin: germline.
Comment: In summary, the available evidence is currently insufficient to determine the role of this variant in disease. Therefore, it has been classified as a Variant of Uncertain Significance. Advanced modeling of protein sequence and biophysical properties (such as structural, functional, and spatial information, amino acid conservation, physicochemical variation, residue mobility, and thermodynamic stability) performed at Invitae indicates that this missense variant is expected to disrupt AIFM1 protein function. ClinVar contains an entry for this variant (Variation ID: 982823). This variant has not been reported in the literature in individuals affected with AIFM1-related conditions. This variant is not present in population databases (ExAC no frequency). This sequence change replaces proline with leucine at codon 169 of the AIFM1 protein (p.Pro169Leu). The proline residue is highly conserved and there is a moderate physicochemical difference between proline and leucine.

Institute of Human Genetics, University of Leipzig Medical Center
Classification: Likely pathogenic for Severe X-linked mitochondrial encephalomyopathy. Last evaluated: 2019-01-01. Review status: criteria provided, single submitter. Criteria: ACMG Guidelines, 2015. Collection method: clinical testing. Allele origin: unknown. Affected: yes.

Greenwood Genetic Center Diagnostic Laboratories, Greenwood Genetic Center
Classification: Likely pathogenic for Severe X-linked mitochondrial encephalomyopathy. Review status: criteria provided, single submitter. Criteria: ACMG Guidelines, 2015. Collection method: clinical testing. Allele origin: maternal. Inheritance: X-linked inheritance. Affected: yes. Observed: 1 variant allele, 1 hemizygote.
Comment: PS3, PM1, PM2, PP3